The following is an entry in ClinVar:

ClinVar aggregate classification (germline): Uncertain significance (1 of 4 stars; one submission).

Conditions:
Familial cold autoinflammatory syndrome 2 (FCAS2). Identifiers: Orphanet 247868, MedGen C2673198, MONDO:0012724, OMIM 611762.

Allele frequency attached by ClinVar (database versions not stated): gnomAD exomes below 0.00001.
gnomAD v4.1: 1 of 1,614,106 alleles (0.000062%); highest among the groups gnomAD compares: Middle Eastern, 0.016%; no homozygotes.

Submission:

Labcorp Genetics (formerly Invitae), Labcorp
Classification: Uncertain significance for Familial cold autoinflammatory syndrome 2. Last evaluated: 2025-03-06. Review status: criteria provided, single submitter. Criteria: Invitae Variant Classification Sherloc (09022015). Collection method: clinical testing. Allele origin: germline.
Comment: This sequence change replaces glycine, which is neutral and non-polar, with arginine, which is basic and polar, at codon 534 of the NLRP12 protein (p.Gly534Arg). This variant is not present in population databases (gnomAD no frequency). This variant has not been reported in the literature in individuals affected with NLRP12-related conditions. ClinVar contains an entry for this variant (Variation ID: 2889824). Invitae Evidence Modeling of protein sequence and biophysical properties (such as structural, functional, and spatial information, amino acid conservation, physicochemical variation, residue mobility, and thermodynamic stability) indicates that this missense variant is not expected to disrupt NLRP12 protein function with a negative predictive value of 80%. In summary, the available evidence is currently insufficient to determine the role of this variant in disease. Therefore, it has been classified as a Variant of Uncertain Significance.

NM_144687.4(NLRP12):c.1600G>A (p.Gly534Arg)

Gene: NLRP12 (NLR family pyrin domain containing 12; minus strand). Cytogenetic location: 19q13.42.
Variant type: single nucleotide variant.
Coding change: c.1600G>A on transcript NM_144687.4 (MANE Select); coding-DNA position 1600, G replaced by A.
Protein change: p.Gly534Arg; replaces glycine 534 with arginine.
Molecular consequence: missense variant.
Genome position (GRCh38, 1-based): chr19:53,810,059, C>T on the plus strand (G>A on the coding strand, the complement: NLRP12 is on the minus strand). VCF-style: chr19-53810059-C-T. GRCh37 (hg19) VCF-style: chr19-54313313-C-T.
Other names: c.1600G>A, p.Gly534Arg (NM_001277126.2, NM_001277129.1); short protein forms G534R.
Identifiers: ClinVar variation 2889824 (VCV002889824.3), dbSNP rs2514335608, ClinGen allele CA407413077.